The following is an entry in ClinVar:

ClinVar aggregate classification (germline): Likely benign (1 of 4 stars; one submission).

Allele frequency attached by ClinVar (database versions not stated): TOPMed 0.00002; ExAC 0.00013.
gnomAD v4.1: 15 of 1,519,384 alleles (0.00099%); highest among the groups gnomAD compares: African/African-American, 0.0028%; no homozygotes.

Submission:

GeneDx
Classification: Likely benign. Last evaluated: 2017-06-06. Review status: criteria provided, single submitter. Criteria: GeneDx Variant Classification (06012015). Collection method: clinical testing. Allele origin: germline. Affected: yes.
Comment: This variant is considered likely benign or benign based on one or more of the following criteria: it is a conservative change, it occurs at a poorly conserved position in the protein, it is predicted to be benign by multiple in silico algorithms, and/or has population frequency not consistent with disease.

NM_006996.3(SLC19A2):c.-20C>A

Gene: SLC19A2 (solute carrier family 19 member 2; minus strand). Cytogenetic location: 1q24.2.
Variant type: single nucleotide variant.
Coding change: c.-20C>A on transcript NM_006996.3 (MANE Select); 20 bases upstream of the start codon, C replaced by A.
Molecular consequence: 5 prime UTR variant.
Genome position (GRCh38, 1-based): chr1:169,485,786, G>T on the plus strand (C>A on the coding strand, the complement: SLC19A2 is on the minus strand). VCF-style: chr1-169485786-G-T. GRCh37 (hg19) VCF-style: chr1-169455024-G-T.
Other names: c.-20C>A (NM_001319667.1).
Identifiers: ClinVar variation 517894 (VCV000517894.1), dbSNP rs753269605, ClinGen allele CA1233168.
Genomic context (GRCh38, chr1:169,485,786, plus strand): 5'-GCCGCCGCCGCCCGCCGAGACACCGGGCCGGGCACATCCATCCGGGGCGCGAGGGGAGGG[G>T]ACCCGGCCCGGCCCCTTCCTTCTCCTCCTCCGCCAACTGGAGTGAGGGTCAGGCACTTGT-3'